The following is an entry in ClinVar:

NM_014795.4(ZEB2):c.1690G>A (p.Asp564Asn)

Gene: ZEB2 (zinc finger E-box binding homeobox 2; minus strand). Cytogenetic location: 2q22.3.
Variant type: single nucleotide variant.
Coding change: c.1690G>A on transcript NM_014795.4 (MANE Select); coding-DNA position 1690, G replaced by A.
Protein change: p.Asp564Asn; replaces aspartic acid 564 with asparagine.
Molecular consequence: missense variant.
Genome position (GRCh38, 1-based): chr2:144,399,497, C>T on the plus strand (G>A on the coding strand, the complement: ZEB2 is on the minus strand). VCF-style: chr2-144399497-C-T. GRCh37 (hg19) VCF-style: chr2-145157064-C-T.
Other names: c.1618G>A, p.Asp540Asn (NM_001171653.2); short protein forms D564N, D540N.
Identifiers: ClinVar variation 1500966 (VCV001500966.8), dbSNP rs746211840, ClinGen allele CA1898314.

ClinVar aggregate classification (germline): Uncertain significance (1 of 4 stars; one submission).

Conditions:
Mowat-Wilson syndrome (MOWS). Also called: Classic Mowat-Wilson Syndrome. Identifiers: Orphanet 2152, MedGen C1856113, MONDO:0009341, OMIM 235730.

Allele frequency attached by ClinVar (database versions not stated): gnomAD 0.00001; gnomAD exomes 0.00001; TOPMed 0.00001; ExAC 0.00002.
gnomAD v4.1: 2 of 1,614,070 alleles (0.00012%); highest among the groups gnomAD compares: African/African-American, 0.0027%; no homozygotes.

Submission:

Labcorp Genetics (formerly Invitae), Labcorp
Classification: Uncertain significance for Mowat-Wilson syndrome. Last evaluated: 2024-06-18. Review status: criteria provided, single submitter. Criteria: Invitae Variant Classification Sherloc (09022015). Collection method: clinical testing. Allele origin: germline.
Comment: This sequence change replaces aspartic acid, which is acidic and polar, with asparagine, which is neutral and polar, at codon 564 of the ZEB2 protein (p.Asp564Asn). This variant is present in population databases (rs746211840, gnomAD 0.01%). This variant has not been reported in the literature in individuals affected with ZEB2-related conditions. ClinVar contains an entry for this variant (Variation ID: 1500966). Advanced modeling of protein sequence and biophysical properties (such as structural, functional, and spatial information, amino acid conservation, physicochemical variation, residue mobility, and thermodynamic stability) performed at Invitae indicates that this missense variant is not expected to disrupt ZEB2 protein function with a negative predictive value of 80%. In summary, the available evidence is currently insufficient to determine the role of this variant in disease. Therefore, it has been classified as a Variant of Uncertain Significance.